The following is an entry in ClinVar:

ClinVar aggregate classification (germline): Uncertain significance (1 of 4 stars; one submission).

Conditions:
Autosomal recessive mendelian susceptibility to mycobacterial diseases due to complete RORgamma receptor deficiency. Also called: Immunodeficiency 42. Identifiers: Orphanet 477857, MedGen C5567647, MONDO:0014710, OMIM 616622.

Submission:

Labcorp Genetics (formerly Invitae), Labcorp
Classification: Uncertain significance for Autosomal recessive mendelian susceptibility to mycobacterial diseases due to complete RORgamma receptor deficiency. Last evaluated: 2019-06-29. Review status: criteria provided, single submitter. Criteria: Invitae Variant Classification Sherloc (09022015). Collection method: clinical testing. Allele origin: germline.
Comment: This sequence change replaces aspartic acid with asparagine at codon 112 of the RORC protein (p.Asp112Asn). The aspartic acid residue is moderately conserved and there is a small physicochemical difference between aspartic acid and asparagine. This variant is not present in population databases (ExAC no frequency). This variant has not been reported in the literature in individuals with RORC-related conditions. Algorithms developed to predict the effect of missense changes on protein structure and function are either unavailable or do not agree on the potential impact of this missense change (SIFT: "Deleterious"; PolyPhen-2: "Probably Damaging"; Align-GVGD: "Class C0"). In summary, the available evidence is currently insufficient to determine the role of this variant in disease. Therefore, it has been classified as a Variant of Uncertain Significance.

NM_005060.4(RORC):c.334G>A (p.Asp112Asn)

Gene: RORC (RAR related orphan receptor C; minus strand). Cytogenetic location: 1q21.3.
Variant type: single nucleotide variant.
Coding change: c.334G>A on transcript NM_005060.4 (MANE Select); coding-DNA position 334, G replaced by A.
Protein change: p.Asp112Asn; replaces aspartic acid 112 with asparagine.
Molecular consequence: missense variant.
Genome position (GRCh38, 1-based): chr1:151,815,390, C>T on the plus strand (G>A on the coding strand, the complement: RORC is on the minus strand). VCF-style: chr1-151815390-C-T. GRCh37 (hg19) VCF-style: chr1-151787866-C-T.
Other names: c.271G>A, p.Asp91Asn (NM_001001523.2); short protein forms D112N, D91N.
Identifiers: ClinVar variation 948513 (VCV000948513.9), dbSNP rs1651719747, ClinGen allele CA342017571.
Genomic context (GRCh38, chr1:151,815,390, plus strand): 5'-GTTCCTGTTGCTGCTGTTGCCGCTGCTGCAGCTGTTTCTGCACTTCTGCATGCAGGCTGT[C>T]CCTCTGCTTCTTGGACATGCGGCCGAACTTGACAGCTGAAAGAGGTCCAGGGACCAGGGG-3'
Protein context (NP_005051.2, residues 102-122): KFGRMSKKQR[Asp112Asn]SLHAEVQKQL